The following is an entry in ClinVar:

ClinVar aggregate classification (germline): Pathogenic (1 of 4 stars; one submission).

gnomAD v4.1: 1 of 1,599,664 alleles (0.000063%); highest among the groups gnomAD compares: East Asian, 0.0022%; no homozygotes.

Submission:

Labcorp Genetics (formerly Invitae), Labcorp
Classification: Pathogenic. Last evaluated: 2024-03-12. Review status: criteria provided, single submitter. Criteria: Invitae Variant Classification Sherloc (09022015). Collection method: clinical testing. Allele origin: germline.
Comment: This sequence change creates a premature translational stop signal (p.Glu1494*) in the ABCA4 gene. It is expected to result in an absent or disrupted protein product. Loss-of-function variants in ABCA4 are known to be pathogenic (PMID: 10958761, 24938718, 25312043, 26780318). This variant is not present in population databases (gnomAD no frequency). This variant has not been reported in the literature in individuals affected with ABCA4-related conditions. Algorithms developed to predict the effect of sequence changes on RNA splicing suggest that this variant may disrupt the consensus splice site. For these reasons, this variant has been classified as Pathogenic.

Literature cited by the submitters: PubMed 10958761; PubMed 24938718; PubMed 25312043; PubMed 26780318.

NM_000350.3(ABCA4):c.4480G>T (p.Glu1494Ter)

Gene: ABCA4 (ATP binding cassette subfamily A member 4; minus strand). Cytogenetic location: 1p22.1.
Variant type: single nucleotide variant.
Coding change: c.4480G>T on transcript NM_000350.3 (MANE Select); coding-DNA position 4480, G replaced by T.
Protein change: p.Glu1494Ter; replaces glutamic acid 1494 with a stop codon.
Molecular consequence: nonsense.
Genome position (GRCh38, 1-based): chr1:94,029,504, C>A on the plus strand (G>T on the coding strand, the complement: ABCA4 is on the minus strand). VCF-style: chr1-94029504-C-A. GRCh37 (hg19) VCF-style: chr1-94495060-C-A.
Other names: c.4258G>T, p.Glu1420Ter (NM_001425324.1); short protein forms E1420*, E1494*.
Identifiers: ClinVar variation 3644418 (VCV003644418.2).